The following is an entry in ClinVar:

NM_153700.2(STRC):c.487C>T (p.Arg163Cys)

Gene: STRC (stereocilin; minus strand). Cytogenetic location: 15q15.3.
Variant type: single nucleotide variant.
Coding change: c.487C>T on transcript NM_153700.2 (MANE Select); coding-DNA position 487, C replaced by T.
Protein change: p.Arg163Cys; replaces arginine 163 with cysteine.
Molecular consequence: missense variant.
Genome position (GRCh38, 1-based): chr15:43,617,934, G>A on the plus strand (C>T on the coding strand, the complement: STRC is on the minus strand). VCF-style: chr15-43617934-G-A. GRCh37 (hg19) VCF-style: chr15-43910132-G-A.
Other names: short protein forms R163C.
Identifiers: ClinVar variation 3323413 (VCV003323413.2).

ClinVar aggregate classification (germline): Uncertain significance. Review status: criteria provided, multiple submitters, no conflicts (2 of 4 stars). 2 submissions from 2 submitters: Uncertain significance (2). Last evaluated 2025-11-22.

Conditions:
Inborn genetic diseases. Identifiers: MedGen C0950123, MeSH D030342.
STRC-related disorder. Also called: STRC-related condition.

Submissions (2):

PreventionGenetics, part of Exact Sciences
Classification: Uncertain significance for STRC-related condition. Last evaluated: 2025-11-22. Review status: criteria provided, single submitter. Criteria: ACMG Guidelines, 2015. Collection method: clinical testing. Allele origin: germline.
Comment: The STRC c.487C>T variant is predicted to result in the amino acid substitution p.Arg163Cys. To our knowledge, this variant has not been reported in the literature. This variant is reported in 0.0080% of alleles in individuals of African descent in gnomAD. At this time, the clinical significance of this variant is uncertain due to the absence of conclusive functional and genetic evidence.

Ambry Genetics
Classification: Uncertain significance for Inborn genetic diseases. Last evaluated: 2024-04-04. Review status: criteria provided, single submitter. Criteria: Ambry Variant Classification Scheme 2023. Collection method: clinical testing. Allele origin: germline.